The following is an entry in ClinVar:

NM_000046.5(ARSB):c.356_358del (p.Pro119_Ser120delinsArg)

Gene: ARSB (arylsulfatase B; minus strand). Cytogenetic location: 5q14.1.
Variant type: Deletion.
Coding change: c.356_358del on transcript NM_000046.5 (MANE Select); coding-DNA positions 356 to 358, 3 bases deleted (CCA; older notation c.356_358delCCA).
Protein change: p.Pro119_Ser120delinsArg.
Molecular consequence: inframe indel.
Genome position (GRCh38, 1-based): chr5:78,969,147-78,969,149, TGG deleted on the plus strand (CCA on the coding strand, the reverse complement: ARSB is on the minus strand). VCF-style (leftmost placement, unchanged base first): chr5-78969146-CTGG-C. GRCh37 (hg19) VCF-style: chr5-78264969-CTGG-C.
Other names: c.356_358del, p.Pro119_Ser120delinsArg (NM_198709.3).
Identifiers: ClinVar variation 559773 (VCV000559773.1), dbSNP rs1554088087, ClinGen allele CA658822935.

ClinVar aggregate classification (germline): Uncertain significance (1 of 4 stars; one submission).

Conditions:
Mucopolysaccharidosis type 6 (MPS6). Also called: N-ACETYLGALACTOSAMINE-4-SULFATASE DEFICIENCY; MPS VI; MPS 6; Maroteaux Lamy syndrome; ARSB DEFICIENCY; ARYLSULFATASE B DEFICIENCY. Identifiers: Orphanet 583, MedGen C0026709, MONDO:0009661, OMIM 253200.

Submission:

Laboratory of Diagnosis and Therapy of Lysosomal Disorders, University of Padova
Classification: Uncertain significance for Mucopolysaccharidosis type 6. Last evaluated: 2018-01-01. Review status: criteria provided, single submitter. Criteria: ACMG Guidelines, 2015. Collection method: curation. Allele origin: germline. Affected: yes.
Comment: Absent from GnomAD (PM2)

Literature cited by the submitters: PubMed 14974081; PubMed 30118150.